The following is an entry in ClinVar:

NM_001018005.2(TPM1):c.34A>T (p.Lys12Ter)

Gene: TPM1 (tropomyosin 1; plus strand). Cytogenetic location: 15q22.2.
Variant type: single nucleotide variant.
Coding change: c.34A>T on transcript NM_001018005.2 (MANE Select); coding-DNA position 34, A replaced by T.
Protein change: p.Lys12Ter; replaces lysine 12 with a stop codon.
Molecular consequence: nonsense.
Genome position (GRCh38, 1-based): chr15:63,042,863, A>T. VCF-style: chr15-63042863-A-T. GRCh37 (hg19) VCF-style: chr15-63335062-A-T.
Other names: c.34A>T, p.Lys12Ter (NM_000366.6, NM_001018004.2, NM_001018006.2 and 7 more transcripts); short protein forms K12*.
Identifiers: ClinVar variation 919102 (VCV000919102.3), dbSNP rs2031426015, ClinGen allele CA392717988.

ClinVar aggregate classification (germline): Uncertain significance (1 of 4 stars; one submission).

Conditions:
Cardiomyopathy (CMYO). Also called: Cardiomyopathies. Identifiers: Orphanet 167848, MedGen C0878544, MONDO:0004994, HP:0001638. Inheritance: Various modes of inheritance.

Allele frequency attached by ClinVar (database versions not stated): TOPMed below 0.00001.

Submission:

Color Diagnostics, LLC DBA Color Health
Classification: Uncertain significance for Cardiomyopathy. Last evaluated: 2020-03-03. Review status: criteria provided, single submitter. Criteria: ACMG Guidelines, 2015. Collection method: clinical testing. Allele origin: germline.
Comment: This variant changes 1 nucleotide in exon 1 of the TPM1 gene, creating a premature translation stop signal. This variant is expected to result in an absent or non-functional protein product. To our knowledge, this variant has not been reported in individuals affected with cardiovascular disorders in the literature. This variant has not been identified in the general population by the Genome Aggregation Database (gnomAD). Clinical relevance of loss-of-function truncation and splice variants in the TMEM43 gene is not clearly established. The available evidence is insufficient to determine the role of this variant in disease conclusively. Therefore, this variant is classified as a Variant of Uncertain Significance.